The following is an entry in ClinVar:

NM_032043.3(BRIP1):c.520C>T (p.His174Tyr)

Gene: BRIP1 (BRCA1 interacting DNA helicase 1; minus strand). Cytogenetic location: 17q23.2.
Variant type: single nucleotide variant.
Coding change: c.520C>T on transcript NM_032043.3 (MANE Select); coding-DNA position 520, C replaced by T.
Protein change: p.His174Tyr; replaces histidine 174 with tyrosine.
Molecular consequence: missense variant.
Genome position (GRCh38, 1-based): chr17:61,847,208, G>A on the plus strand (C>T on the coding strand, the complement: BRIP1 is on the minus strand). VCF-style: chr17-61847208-G-A. GRCh37 (hg19) VCF-style: chr17-59924569-G-A.
Other names: short protein forms H174Y.
Identifiers: ClinVar variation 241661 (VCV000241661.11), dbSNP rs776248182, ClinGen allele CA8690913.

ClinVar aggregate classification (germline): Uncertain significance. Review status: criteria provided, multiple submitters, no conflicts (2 of 4 stars). 2 submissions from 2 submitters: Uncertain significance (2). Last evaluated 2025-12-13.

Conditions:
Hereditary cancer-predisposing syndrome. Also called: Neoplastic Syndromes, Hereditary; Tumor predisposition; Hereditary neoplastic syndrome; Hereditary Cancer Syndrome. Identifiers: Orphanet 140162, MedGen C0027672, MeSH D009386, MONDO:0015356.
Familial cancer of breast. Also called: BREAST CANCER, FAMILIAL; Hereditary breast cancer; hereditary breast carcinoma. Identifiers: Orphanet 227535, MedGen C0346153, MONDO:0016419, OMIM 114480. Disease mechanism: loss of function.
Fanconi anemia complementation group J. Also called: BRIP1-Related Fanconi Anemia. Identifiers: Orphanet 84, MedGen C1836860, MONDO:0012187, OMIM 609054.

Allele frequency attached by ClinVar (database versions not stated): gnomAD exomes below 0.00001; ExAC 0.00001.
gnomAD v4.1: 6 of 1,613,722 alleles (0.00037%); highest among the groups gnomAD compares: South Asian, 0.0022%; no homozygotes.

Submissions (2):

Ambry Genetics
Classification: Uncertain significance for Hereditary cancer-predisposing syndrome. Last evaluated: 2025-12-13. Review status: criteria provided, single submitter. Criteria: Ambry Variant Classification Scheme 2023. Collection method: clinical testing. Allele origin: germline.
Comment: The p.H174Y variant (also known as c.520C>T), located in coding exon 5 of the BRIP1 gene, results from a C to T substitution at nucleotide position 520. The histidine at codon 174 is replaced by tyrosine, an amino acid with similar properties. In one study, this alteration was observed in 0/3236 cases with invasive epithelial ovarian cancer and 1/3431 controls (Ramus SJ et al. J Natl Cancer Inst, 2015 Nov;107:). This amino acid position is well conserved in available vertebrate species. In addition, this alteration is predicted to be tolerated by in silico analysis. Since supporting evidence is limited at this time, the clinical significance of this alteration remains unclear.

Labcorp Genetics (formerly Invitae), Labcorp
Classification: Uncertain significance for Familial cancer of breast; Fanconi anemia complementation group J. Last evaluated: 2025-06-11. Review status: criteria provided, single submitter. Criteria: Invitae Variant Classification Sherloc (09022015). Collection method: clinical testing. Allele origin: germline.
Comment: This sequence change replaces histidine, which is basic and polar, with tyrosine, which is neutral and polar, at codon 174 of the BRIP1 protein (p.His174Tyr). This variant is present in population databases (rs776248182, gnomAD 0.003%). This variant has not been reported in the literature in individuals affected with BRIP1-related conditions. ClinVar contains an entry for this variant (Variation ID: 241661). Invitae Evidence Modeling of protein sequence and biophysical properties (such as structural, functional, and spatial information, amino acid conservation, physicochemical variation, residue mobility, and thermodynamic stability) indicates that this missense variant is not expected to disrupt BRIP1 protein function with a negative predictive value of 95%. In summary, the available evidence is currently insufficient to determine the role of this variant in disease. Therefore, it has been classified as a Variant of Uncertain Significance.

Literature cited by the submitters: PubMed 26315354 (cited by Ambry Genetics).